The following is an entry in ClinVar:

NM_012414.4(RAB3GAP2):c.3143A>G (p.His1048Arg)

Gene: RAB3GAP2 (RAB3 GTPase activating non-catalytic protein subunit 2; minus strand). Cytogenetic location: 1q41.
Variant type: single nucleotide variant.
Coding change: c.3143A>G on transcript NM_012414.4 (MANE Select); coding-DNA position 3143, A replaced by G.
Protein change: p.His1048Arg; replaces histidine 1048 with arginine.
Molecular consequence: missense variant.
Genome position (GRCh38, 1-based): chr1:220,164,744, T>C on the plus strand (A>G on the coding strand, the complement: RAB3GAP2 is on the minus strand). VCF-style: chr1-220164744-T-C. GRCh37 (hg19) VCF-style: chr1-220338086-T-C.
Other names: short protein forms H1048R.
Identifiers: ClinVar variation 295643 (VCV000295643.16), dbSNP rs151244742, ClinGen allele CA1402236.

ClinVar aggregate classification (germline): Conflicting classifications of pathogenicity. Review status: criteria provided, conflicting classifications (1 of 4 stars). 6 submissions from 5 submitters: Uncertain significance (2); Likely benign (3). 1 of the submissions does not count toward it. Last evaluated 2025-12-28.

Conditions:
Warburg micro syndrome 2 (WARBM2). Also called: MICRO SYNDROME 2. Identifiers: Orphanet 2510, MedGen C3280214, MONDO:0013641, OMIM 614225.
Martsolf syndrome (MARTS). Also called: Congenital cataract with intellectual disability and hypogonadotropic hypogonadism syndrome. Identifiers: Orphanet 1387, MedGen C0796037, MONDO:0023910.
RAB3GAP2-related disorder. Also called: RAB3GAP2-related condition; RAB3GAP2-related disorders.
Martsolf syndrome 1. Identifiers: Orphanet 1387, MedGen C5542298, MONDO:8000008, OMIM 212720.

Allele frequency attached by ClinVar (database versions not stated): gnomAD 0.00013 and 0.00018; gnomAD exomes 0.00024 and 0.00044; TOPMed 0.00028; ExAC 0.00063; 1000 Genomes Project 30x 0.00094; 1000 Genomes Project 0.00100.
gnomAD v4.1: 379 of 1,606,192 alleles (0.024%); highest among the groups gnomAD compares: East Asian, 0.76%; 2 homozygotes.

Submissions (6):

Labcorp Genetics (formerly Invitae), Labcorp
Classification: Likely benign for Martsolf syndrome; Warburg micro syndrome 2. Last evaluated: 2025-12-28. Review status: criteria provided, single submitter. Criteria: Invitae Variant Classification Sherloc (09022015). Collection method: clinical testing. Allele origin: germline.

Fulgent Genetics
Classification: Uncertain significance for Martsolf syndrome 1; Warburg micro syndrome 2. Last evaluated: 2024-01-04. Review status: criteria provided, single submitter. Criteria: ACMG Guidelines, 2015. Collection method: clinical testing. Allele origin: germline.

GeneDx
Classification: Uncertain significance. Last evaluated: 2022-06-27. Review status: criteria provided, single submitter. Criteria: GeneDx Variant Classification Process June 2021. Collection method: clinical testing. Allele origin: germline. Affected: yes.
Comment: In silico analysis supports that this missense variant has a deleterious effect on protein structure/function; This variant is associated with the following publications: (PMID: 32005694)

Illumina Laboratory Services, Illumina
Classification: Likely benign for Martsolf syndrome 1. Last evaluated: 2018-01-12. Review status: criteria provided, single submitter. Criteria: ICSL Variant Classification Criteria 13 December 2019. Collection method: clinical testing. Allele origin: germline.
Comment: This variant was observed in the ICSL laboratory as part of a predisposition screen in an ostensibly healthy population. It had not been previously curated by ICSL or reported in the Human Gene Mutation Database (HGMD: prior to June 1st, 2018), and was therefore a candidate for classification through an automated scoring system. Utilizing variant allele frequency, disease prevalence and penetrance estimates, and inheritance mode, an automated score was calculated to assess if this variant is too frequent to cause the disease. Based on the score and internal cut-off values, a variant classified as likely benign is not then subjected to further curation. The score for this variant resulted in a classification of likely benign for this disease.

Illumina Laboratory Services, Illumina
Classification: Likely benign for Warburg micro syndrome 2. Last evaluated: 2018-01-12. Review status: criteria provided, single submitter. Criteria: ICSL Variant Classification Criteria 13 December 2019. Collection method: clinical testing. Allele origin: germline.
Comment: the same text as in the submission from Illumina Laboratory Services, Illumina above.

PreventionGenetics, part of Exact Sciences
Classification: Likely benign for RAB3GAP2-related condition. Last evaluated: 2021-02-11. Review status: no assertion criteria provided. Collection method: clinical testing. Allele origin: germline. Not counted in ClinVar's aggregate classification.
Comment: This variant is classified as likely benign based on ACMG/AMP sequence variant interpretation guidelines (Richards et al. 2015 PMID: 25741868, with internal and published modifications).